The following is an entry in ClinVar:

ClinVar aggregate classification (germline): Likely benign. Review status: criteria provided, multiple submitters, no conflicts (2 of 4 stars). 3 submissions from 3 submitters: Likely benign (3). Last evaluated 2025-08-29.

Allele frequency attached by ClinVar (database versions not stated): gnomAD exomes below 0.00001 and 0.00001; TOPMed 0.00002; gnomAD 0.00003 and 0.00004.
gnomAD v4.1: 16 of 1,537,526 alleles (0.001%); highest among the groups gnomAD compares: Admixed American, 0.0079%; no homozygotes.

Submissions (3):

Labcorp Genetics (formerly Invitae), Labcorp
Classification: Likely benign. Last evaluated: 2025-08-29. Review status: criteria provided, single submitter. Criteria: Invitae Variant Classification Sherloc (09022015). Collection method: clinical testing. Allele origin: germline.

Mayo Clinic Laboratories, Mayo Clinic
Classification: Likely benign. Last evaluated: 2025-06-18. Review status: criteria provided, single submitter. Criteria: ACMG Guidelines, 2015. Collection method: clinical testing. Allele origin: germline. Observed: 1 variant allele.
Comment: BP4, BP7, PM2_supporting

Blueprint Genetics
Classification: Likely benign. Last evaluated: 2024-11-25. Review status: criteria provided, single submitter. Criteria: ACMG Guidelines, 2015. Collection method: clinical testing. Allele origin: germline.

NM_030957.4(ADAMTS10):c.2838G>A (p.Pro946=)

Gene: ADAMTS10 (ADAM metallopeptidase with thrombospondin type 1 motif 10; minus strand). Cytogenetic location: 19p13.2.
Variant type: single nucleotide variant.
Coding change: c.2838G>A on transcript NM_030957.4 (MANE Select); coding-DNA position 2838, G replaced by A.
Protein change: p.Pro946=; no amino-acid change (proline 946 retained).
Molecular consequence: synonymous variant.
Genome position (GRCh38, 1-based): chr19:8,585,483, C>T on the plus strand (G>A on the coding strand, the complement: ADAMTS10 is on the minus strand). VCF-style: chr19-8585483-C-T. GRCh37 (hg19) VCF-style: chr19-8650367-C-T.
Other names: p.Pro946=; c.1299G>A, p.Pro433= (NM_001282352.2).
Identifiers: ClinVar variation 1373978 (VCV001373978.8), dbSNP rs1166379896, ClinGen allele CA505422398.